The following is an entry in ClinVar:

NM_000545.8(HNF1A):c.682G>A (p.Glu228Lys)

Gene: HNF1A (HNF1 homeobox A; plus strand). Cytogenetic location: 12q24.31.
Variant type: single nucleotide variant.
Coding change: c.682G>A on transcript NM_000545.8 (MANE Select); coding-DNA position 682, G replaced by A.
Protein change: p.Glu228Lys; replaces glutamic acid 228 with lysine.
Molecular consequence: missense variant.
Genome position (GRCh38, 1-based): chr12:120,993,675, G>A. VCF-style: chr12-120993675-G-A. GRCh37 (hg19) VCF-style: chr12-121431478-G-A.
Other names: NM_001306179.2:c.682G>A; c.682G>A, p.Glu228Lys (NM_001306179.2); short protein forms E228K.
Identifiers: ClinVar variation 1699998 (VCV001699998.2), dbSNP rs747416693, ClinGen allele CA6831794.

ClinVar aggregate classification (germline): Uncertain significance (3 of 4 stars; one submission).

Conditions:
Monogenic diabetes. Identifiers: Orphanet 183625, MedGen C3888631, MONDO:0015967.

Allele frequency attached by ClinVar (database versions not stated): gnomAD exomes below 0.00001; ExAC 0.00001; gnomAD 0.00001.

Submission:

ClinGen Monogenic Diabetes Variant Curation Expert Panel
Classification: Uncertain significance for Monogenic diabetes. Last evaluated: 2025-11-26. Review status: reviewed by expert panel. Criteria: ClinGen Diabetes ACMG Specifications HNF1A V3.1.0. Collection method: curation. Allele origin: germline. Inheritance: Autosomal dominant inheritance.
Comment: The c.682G>A variant in the HNF1 homeobox A gene, HNF1A, causes an amino acid change of glutamic acid to lysine at codon 228 (p.(Glu228Lys)) of NM_000545.8. This variant is located within a conserved region of the DNA binding domain (codons 107-174 and 201-280) of HNF1A, which is defined as critical for the protein’s function by the ClinGen MDEP (PM1_Supporting). It is predicted to be deleterious by computational evidence, with a REVEL score of 0.8799, which is greater than or equal to the MDEP VCEP threshold of 0.70 (PP3). This variant has a minor allele frequency of 0.0000088 in the gnomAD v2.1.1 This variant has a gnomAD v4.1.0 Grpmax filtering allele frequency of 2.8e-7, which is below the ClinGen MDEP threshold of 0.000003 (PM2_Supporting). Another missense variant, c.683A>G p.Glu228Gly, has been classified as a VUS by the ClinGen MDEP; therefore, PM5 will not be applied. In summary, c.682G>A meets the criteria to be classified as VUS for monogenic diabetes. ACMG/AMP criteria applied, as specified by the ClinGen MDEP VCEP (specification version 3.1.0, approved 10/10/2025): PM1_Supporting, PM2_Supporting, PP3, PP4.